The following is an entry in ClinVar:

NM_000059.4(BRCA2):c.9350del (p.His3117fs)

Gene: BRCA2 (BRCA2 DNA repair associated; plus strand). Cytogenetic location: 13q13.1.
Variant type: Deletion.
Coding change: c.9350del on transcript NM_000059.4 (MANE Select); coding-DNA position 9350, one base deleted (A; older notation c.9350delA).
Protein change: p.His3117fs; shifts the reading frame from histidine 3117.
Molecular consequence: frameshift variant.
Genome position (GRCh38, 1-based): chr13:32,394,782, A deleted. VCF-style (leftmost placement, unchanged base first): chr13-32394781-CA-C. GRCh37 (hg19) VCF-style: chr13-32968918-CA-C.
Other names: 9578delA; c.9350delA (NM_000059.3); short protein forms H3117fs.
Identifiers: ClinVar variation 267153 (VCV000267153.12), dbSNP rs886040832, ClinGen allele CA10589559.

ClinVar aggregate classification (germline): Pathogenic. Review status: reviewed by expert panel (3 of 4 stars). 4 submissions from 4 submitters: Pathogenic (1). 3 of the submissions do not count toward it. Last evaluated 2016-10-18.

Conditions:
Breast-ovarian cancer, familial, susceptibility to, 2 (BROVCA2). Also called: BRCA2 Hereditary Breast and Ovarian Cancer. Identifiers: Orphanet 145, MedGen C2675520, MONDO:0012933, OMIM 612555. Disease mechanism: loss of function.
Hereditary cancer-predisposing syndrome. Also called: Hereditary neoplastic syndrome; Neoplastic Syndromes, Hereditary; Tumor predisposition; Hereditary Cancer Syndrome. Identifiers: Orphanet 140162, MedGen C0027672, MeSH D009386, MONDO:0015356.
Hereditary breast ovarian cancer syndrome. Also called: BRCA1- and BRCA2-Associated Hereditary Breast and Ovarian Cancer; Hereditary breast and ovarian cancer; Breast and ovarian cancer; Hereditary breast and/or ovarian cancer syndrome; Hereditary breast and ovarian cancer syndrome; Hereditary breast and ovarian cancer syndrome (HBOC). Identifiers: Orphanet 145, MedGen C0677776, MeSH D061325, MONDO:0003582. Disease mechanism: loss of function.

Submissions (4):

Evidence-based Network for the Interpretation of Germline Mutant Alleles (ENIGMA)
Classification: Pathogenic for Breast-ovarian cancer, familial, susceptibility to, 2. Last evaluated: 2016-10-18. Review status: reviewed by expert panel. Criteria: ENIGMA BRCA1/2 Classification Criteria (2015). Collection method: curation. Allele origin: germline.
Comment: Variant allele predicted to encode a truncated non-functional protein.

Ambry Genetics
Classification: Pathogenic for Hereditary cancer-predisposing syndrome. Last evaluated: 2024-09-10. Review status: criteria provided, single submitter. Criteria: Ambry Variant Classification Scheme 2023. Collection method: clinical testing. Allele origin: germline. Not counted in ClinVar's aggregate classification.
Comment: The c.9350delA pathogenic mutation, located in coding exon 24 of the BRCA2 gene, results from a deletion of one nucleotide at nucleotide position 9350, causing a translational frameshift with a predicted alternate stop codon (p.H3117Lfs*3). This variant is considered to be rare based on population cohorts in the Genome Aggregation Database (gnomAD). This alteration is expected to result in loss of function by premature protein truncation or nonsense-mediated mRNA decay. As such, this alteration is interpreted as a disease-causing mutation.

Labcorp Genetics (formerly Invitae), Labcorp
Classification: Pathogenic for Hereditary breast ovarian cancer syndrome. Last evaluated: 2024-08-21. Review status: criteria provided, single submitter. Criteria: Invitae Variant Classification Sherloc (09022015). Collection method: clinical testing. Allele origin: germline. Not counted in ClinVar's aggregate classification.
Comment: This sequence change creates a premature translational stop signal (p.His3117Leufs*3) in the BRCA2 gene. It is expected to result in an absent or disrupted protein product. Loss-of-function variants in BRCA2 are known to be pathogenic (PMID: 20104584). This variant is not present in population databases (gnomAD no frequency). This premature translational stop signal has been observed in individual(s) with metastatic pancreatic cancer (PMID: 32073954). This variant is also known as 9578delA.. ClinVar contains an entry for this variant (Variation ID: 267153). For these reasons, this variant has been classified as Pathogenic.

Consortium of Investigators of Modifiers of BRCA1/2 (CIMBA), c/o University of Cambridge
Classification: Pathogenic for Breast-ovarian cancer, familial, susceptibility to, 2. Last evaluated: 2015-10-02. Review status: criteria provided, single submitter. Criteria: CIMBA Mutation Classification guidelines May 2016. Collection method: clinical testing. Allele origin: germline. Not counted in ClinVar's aggregate classification.

Literature cited by the submitters: PubMed 20104584 (cited by Labcorp Genetics (formerly Invitae), Labcorp); PubMed 32073954 (cited by Labcorp Genetics (formerly Invitae), Labcorp).